The following is an entry in ClinVar:

NM_022132.5(MCCC2):c.973C>T (p.Leu325Phe)

Gene: MCCC2 (methylcrotonyl-CoA carboxylase subunit 2; plus strand). Cytogenetic location: 5q13.2.
Variant type: single nucleotide variant.
Coding change: c.973C>T on transcript NM_022132.5 (MANE Select); coding-DNA position 973, C replaced by T.
Protein change: p.Leu325Phe; replaces leucine 325 with phenylalanine.
Molecular consequence: missense variant.
Genome position (GRCh38, 1-based): chr5:71,635,220, C>T. VCF-style: chr5-71635220-C-T. GRCh37 (hg19) VCF-style: chr5-70931047-C-T.
Other names: c.859C>T, p.Leu287Phe (NM_001363147.1); short protein forms L325F, L287F.
Identifiers: ClinVar variation 1371185 (VCV001371185.6), dbSNP rs2112438464, ClinGen allele CA359987760.

ClinVar aggregate classification (germline): Uncertain significance (1 of 4 stars; one submission).

Conditions:
3-methylcrotonyl-CoA carboxylase 2 deficiency. Also called: METHYLCROTONYLGLYCINURIA, TYPE II; 3 alpha methylcrotonyl-CoA carboxylase 2 deficiency; 3 alpha methylcrotonylglycinuria 2; MCC 2 deficiency; Methylcrotonylglycinuria type 2. Identifiers: Orphanet 6, MedGen C1859499, MONDO:0008862, OMIM 210210.

Submission:

Labcorp Genetics (formerly Invitae), Labcorp
Classification: Uncertain significance for 3-methylcrotonyl-CoA carboxylase 2 deficiency. Last evaluated: 2024-05-15. Review status: criteria provided, single submitter. Criteria: Invitae Variant Classification Sherloc (09022015). Collection method: clinical testing. Allele origin: germline.
Comment: This sequence change replaces leucine, which is neutral and non-polar, with phenylalanine, which is neutral and non-polar, at codon 325 of the MCCC2 protein (p.Leu325Phe). This variant is not present in population databases (gnomAD no frequency). This variant has not been reported in the literature in individuals affected with MCCC2-related conditions. ClinVar contains an entry for this variant (Variation ID: 1371185). Advanced modeling of protein sequence and biophysical properties (such as structural, functional, and spatial information, amino acid conservation, physicochemical variation, residue mobility, and thermodynamic stability) performed at Invitae indicates that this missense variant is not expected to disrupt MCCC2 protein function with a negative predictive value of 80%. In summary, the available evidence is currently insufficient to determine the role of this variant in disease. Therefore, it has been classified as a Variant of Uncertain Significance.